The following is an entry in ClinVar:

NM_000083.3(CLCN1):c.2093_2105del (p.Pro698fs)

Genes: CLCN1 (chloride voltage-gated channel 1; plus strand), LOC123956257 (Sharpr-MPRA regulatory region 4117; plus strand). Cytogenetic location: 7q34.
Variant type: Deletion.
Coding change: c.2093_2105del on transcript NM_000083.3 (MANE Select); coding-DNA positions 2093 to 2105, 13 bases deleted (CCGGCGCGCCTCC).
Protein change: p.Pro698fs; shifts the reading frame from proline 698.
Molecular consequence: frameshift variant. On other transcripts: non-coding transcript variant (1).
Genome position (GRCh38, 1-based): chr7:143,345,683-143,345,695, CCGGCGCGCCTCC deleted; deleting any 13 consecutive bases within chr7:143,345,679-143,345,695 gives the same sequence; the c. name uses the placement nearest the transcript's 3' end. VCF-style (leftmost placement, unchanged base first): chr7-143345678-GCTCCCCGGCGCGC-G. GRCh37 (hg19) VCF-style: chr7-143042771-GCTCCCCGGCGCGC-G.
Other names: short protein forms P698fs.
Identifiers: ClinVar variation 2000414 (VCV002000414.4), dbSNP rs2485435227, ClinGen allele CA2580077633.

ClinVar aggregate classification (germline): Pathogenic (1 of 4 stars; one submission).

Conditions:
Congenital myotonia, autosomal recessive form. Also called: BECKER DISEASE; Becker Generalized Myotonia; myotonia congenita, autosomal recessive. Identifiers: Orphanet 614, MedGen C0751360, MONDO:0009715, OMIM 255700.
Congenital myotonia, autosomal dominant form (THD). Also called: THOMSEN DISEASE; Myotonia congenita autosomal dominant. Identifiers: Orphanet 614, MedGen C2936781, MONDO:0008055, OMIM 160800.

Submission:

Labcorp Genetics (formerly Invitae), Labcorp
Classification: Pathogenic for Congenital myotonia, autosomal recessive form; Congenital myotonia, autosomal dominant form. Last evaluated: 2022-05-29. Review status: criteria provided, single submitter. Criteria: Invitae Variant Classification Sherloc (09022015). Collection method: clinical testing. Allele origin: germline.
Comment: For these reasons, this variant has been classified as Pathogenic. This variant has not been reported in the literature in individuals affected with CLCN1-related conditions. This variant is not present in population databases (gnomAD no frequency). This sequence change creates a premature translational stop signal (p.Pro698Glnfs*92) in the CLCN1 gene. It is expected to result in an absent or disrupted protein product. Loss-of-function variants in CLCN1 are known to be pathogenic (PMID: 17932099, 22094069, 23739125).

Literature cited by the submitters: PubMed 17932099; PubMed 22094069; PubMed 23739125.